The following is an entry in ClinVar:

NM_033100.4(CDHR1):c.558C>T (p.His186=)

Gene: CDHR1 (cadherin related family member 1; plus strand). Cytogenetic location: 10q23.1.
Variant type: single nucleotide variant.
Coding change: c.558C>T on transcript NM_033100.4 (MANE Select); coding-DNA position 558, C replaced by T.
Protein change: p.His186=; no amino-acid change (histidine 186 retained).
Molecular consequence: synonymous variant.
Genome position (GRCh38, 1-based): chr10:84,201,839, C>T. VCF-style: chr10-84201839-C-T. GRCh37 (hg19) VCF-style: chr10-85961595-C-T.
Other names: c.558C>T, p.His186= (NM_001171971.3); c.558C>T (NM_033100.3).
Identifiers: ClinVar variation 1530362 (VCV001530362.9), dbSNP rs934208979, ClinGen allele CA210380142.

ClinVar aggregate classification (germline): Likely benign. Review status: criteria provided, multiple submitters, no conflicts (2 of 4 stars). 2 submissions from 2 submitters: Likely benign (2). Last evaluated 2026-09-03.

Conditions:
CDHR1-related disorder. Also called: CDHR1-related condition.

Allele frequency attached by ClinVar (database versions not stated): gnomAD 0.00002; TOPMed 0.00005.
gnomAD v4.1: 7 of 1,610,272 alleles (0.00043%); highest among the groups gnomAD compares: Admixed American, 0.005%; no homozygotes.

Submissions (2):

PreventionGenetics, part of Exact Sciences
Classification: Likely benign for CDHR1-related condition. Last evaluated: 2026-09-03. Review status: criteria provided, single submitter. Criteria: ACMG Guidelines, 2015. Collection method: clinical testing. Allele origin: germline.
Comment: This variant is classified as likely benign based on ACMG/AMP sequence variant interpretation guidelines (Richards et al. 2015 PMID: 25741868, with internal and published modifications).

Labcorp Genetics (formerly Invitae), Labcorp
Classification: Likely benign. Last evaluated: 2023-07-03. Review status: criteria provided, single submitter. Criteria: Invitae Variant Classification Sherloc (09022015). Collection method: clinical testing. Allele origin: germline.